The following is an entry in ClinVar:

NM_004370.6(COL12A1):c.7258G>A (p.Gly2420Ser)

Genes: COL12A1 (collagen type XII alpha 1 chain; minus strand), LOC126859712 (MED14-independent group 3 enhancer GRCh37_chr6:75828643-75829842; plus strand). Cytogenetic location: 6q13.
Variant type: single nucleotide variant.
Coding change: c.7258G>A on transcript NM_004370.6 (MANE Select); coding-DNA position 7258, G replaced by A.
Protein change: p.Gly2420Ser; replaces glycine 2420 with serine.
Molecular consequence: missense variant.
Genome position (GRCh38, 1-based): chr6:75,119,139, C>T on the plus strand (G>A on the coding strand, the complement: COL12A1 is on the minus strand). VCF-style: chr6-75119139-C-T. GRCh37 (hg19) VCF-style: chr6-75828855-C-T.
Other names: c.3766G>A, p.Gly1256Ser (NM_080645.3); short protein forms G1256S, G2420S.
Identifiers: ClinVar variation 1343854 (VCV001343854.8), dbSNP rs1290886066, ClinGen allele CA364747928.
Genomic context (GRCh38, chr6:75,119,139, plus strand): 5'-CATCCTGGGACCGACCGTCCGTGACCACAACCAACACCTTAGGGACATTCTTCCTCATGC[C>T]GCTCTCCCAAGTCAAGACTTTCTCCTTGATAAACGTGAGGGCCTTGCCTACAGAATGTGG-3'
Protein context (NP_004361.3, residues 2410-2430): IKEKVLTWES[Gly2420Ser]MRKNVPKVLV

ClinVar aggregate classification (germline): Uncertain significance. Review status: criteria provided, multiple submitters, no conflicts (2 of 4 stars). 3 submissions from 3 submitters: Uncertain significance (3). Last evaluated 2025-11-14.

Conditions:
Ehlers-Danlos syndrome (EDS). Identifiers: Orphanet 98249, MedGen C0013720, MONDO:0020066.
Ullrich congenital muscular dystrophy 2 (UCMD2). Identifiers: Orphanet 75840, MedGen C4225314, MONDO:0014654, OMIM 616470.
Bethlem myopathy 2 (BTHLM2). Identifiers: Orphanet 536516, Orphanet 610, MedGen C4225313, MONDO:0034022, OMIM 616471.

Submissions (3):

GeneDx
Classification: Uncertain significance. Last evaluated: 2025-11-14. Review status: criteria provided, single submitter. Criteria: GeneDx Variant Classification Process June 2021. Collection method: clinical testing. Allele origin: germline. Affected: yes.
Comment: Not observed at significant frequency in large population cohorts (gnomAD); In silico analysis supports that this missense variant has a deleterious effect on protein structure/function; Has not been previously published as pathogenic or benign to our knowledge

Labcorp Genetics (formerly Invitae), Labcorp
Classification: Uncertain significance for Bethlem myopathy 2; Ullrich congenital muscular dystrophy 2. Last evaluated: 2024-03-09. Review status: criteria provided, single submitter. Criteria: Invitae Variant Classification Sherloc (09022015). Collection method: clinical testing. Allele origin: germline.
Comment: This sequence change replaces glycine, which is neutral and non-polar, with serine, which is neutral and polar, at codon 2420 of the COL12A1 protein (p.Gly2420Ser). This variant is not present in population databases (gnomAD no frequency). This variant has not been reported in the literature in individuals affected with COL12A1-related conditions. ClinVar contains an entry for this variant (Variation ID: 1343854). Advanced modeling of protein sequence and biophysical properties (such as structural, functional, and spatial information, amino acid conservation, physicochemical variation, residue mobility, and thermodynamic stability) has been performed at Invitae for this missense variant, however the output from this modeling did not meet the statistical confidence thresholds required to predict the impact of this variant on COL12A1 protein function. In summary, the available evidence is currently insufficient to determine the role of this variant in disease. Therefore, it has been classified as a Variant of Uncertain Significance.

Cambridge Genomics Laboratory, East Genomic Laboratory Hub, NHS Genomic Medicine Service
Classification: Uncertain significance for Ehlers-Danlos syndrome. Last evaluated: 2019-10-16. Review status: criteria provided, single submitter. Criteria: ACGS Best Practice Guidelines for Variant Classification in Rare Disease 2020. Collection method: clinical testing. Allele origin: germline. Affected: yes. Observed: 1 variant allele.